The following is an entry in ClinVar:

NM_020843.4(SCAPER):c.2377C>T (p.Gln793Ter)

Gene: SCAPER (S-phase cyclin A associated protein in the ER; minus strand). Cytogenetic location: 15q24.3.
Variant type: single nucleotide variant.
Coding change: c.2377C>T on transcript NM_020843.4 (MANE Select); coding-DNA position 2377, C replaced by T.
Protein change: p.Gln793Ter; replaces glutamine 793 with a stop codon.
Molecular consequence: nonsense. On other transcripts: non-coding transcript variant (1).
Genome position (GRCh38, 1-based): chr15:76,702,873, G>A on the plus strand (C>T on the coding strand, the complement: SCAPER is on the minus strand). VCF-style: chr15-76702873-G-A. GRCh37 (hg19) VCF-style: chr15-76995214-G-A.
Other names: c.1639C>T, p.Gln547Ter (NM_001145923.2); c.2395C>T, p.Gln799Ter (NM_001353009.2); c.1975C>T, p.Gln659Ter (NM_001353010.2, NM_001353012.2); c.1993C>T, p.Gln665Ter (NM_001353011.2); short protein forms Q547*, Q665*, Q793*, Q659*, Q799*.
Identifiers: ClinVar variation 620525 (VCV000620525.4), dbSNP rs1239725461, ClinGen allele CA393637065.

ClinVar aggregate classification (germline): Pathogenic. Review status: criteria provided, single submitter (1 of 4 stars). 2 submissions from 2 submitters: Pathogenic (1). 1 of the submissions does not count toward it. Last evaluated 2019-01-21.

Conditions:
Intellectual developmental disorder and retinitis pigmentosa; IDDRP. Also called: INTELLECTUAL DEVELOPMENTAL DISORDER AND RETINITIS PIGMENTOSA. Identifiers: MedGen C4748658, MONDO:0032594, OMIM 618195.

Allele frequency attached by ClinVar (database versions not stated): TOPMed below 0.00001; gnomAD 0.00001.
gnomAD v4.1: 1 of 1,608,328 alleles (0.000062%); highest among the groups gnomAD compares: Non-Finnish European, 0.000085%; no homozygotes.

Submissions (2):

GeneDx
Classification: Pathogenic. Last evaluated: 2019-01-21. Review status: criteria provided, single submitter. Criteria: GeneDx Variant Classification (06012015). Collection method: clinical testing. Allele origin: germline. Affected: yes.
Comment: The Q793X variant in the SCAPER gene has not been reported previously as a pathogenic variant nor as a benign variant, to our knowledge. This variant is predicted to cause loss of normal protein function either through protein truncation or nonsense-mediated mRNA decay. The Q793X variant is not observed in large population cohorts (Lek et al., 2016). We interpret Q793X as a pathogenic variant.

New Leaf Center
Classification: Likely pathogenic for Intellectual developmental disorder and retinitis pigmentosa; IDDRP. Last evaluated: 2019-04-30. Review status: no assertion criteria provided. Collection method: clinical testing. Allele origin: inherited. Inheritance: Autosomal recessive inheritance. Affected: yes. Observed: 1 variant allele. Not counted in ClinVar's aggregate classification.